The following is an entry in ClinVar:

ClinVar aggregate classification (germline): Benign/Likely benign. Review status: criteria provided, multiple submitters, no conflicts (2 of 4 stars). 3 submissions from 3 submitters: Benign (1); Likely benign (2). Last evaluated 2024-06-05.

Conditions:
Hereditary cancer-predisposing syndrome. Also called: Neoplastic Syndromes, Hereditary; Tumor predisposition; Hereditary Cancer Syndrome; Hereditary neoplastic syndrome. Identifiers: Orphanet 140162, MedGen C0027672, MeSH D009386, MONDO:0015356.
Familial cancer of breast. Also called: BREAST CANCER, FAMILIAL; Hereditary breast cancer; hereditary breast carcinoma. Identifiers: Orphanet 227535, MedGen C0346153, MONDO:0016419, OMIM 114480. Disease mechanism: loss of function.
Ataxia-telangiectasia syndrome (AT). Also called: LOUIS-BAR SYNDROME; Cerebello-oculocutaneous telangiectasia; Immunodeficiency with ataxia telangiectasia; Ataxia telangiectasia (A-T); Ataxia-telangiectasia, complementation group D; AT, COMPLEMENTATION GROUP C. Identifiers: Orphanet 100, MedGen C0004135, MONDO:0008840, OMIM 208900.

Allele frequency attached by ClinVar (database versions not stated): TOPMed 0.00001.

Submissions (3):

Myriad Genetics, Inc.
Classification: Benign for Familial cancer of breast. Last evaluated: 2024-06-05. Review status: criteria provided, single submitter. Criteria: Myriad Autosomal Dominant, Autosomal Recessive and X-Linked Classification Criteria (2023). Collection method: clinical testing. Allele origin: unknown.
Comment: This variant is considered benign. This variant is a silent/synonymous amino acid change and it is not expected to impact splicing.

Labcorp Genetics (formerly Invitae), Labcorp
Classification: Likely benign for Ataxia-telangiectasia syndrome. Last evaluated: 2023-09-15. Review status: criteria provided, single submitter. Criteria: Invitae Variant Classification Sherloc (09022015). Collection method: clinical testing. Allele origin: germline.

Ambry Genetics
Classification: Likely benign for Hereditary cancer-predisposing syndrome. Last evaluated: 2023-04-07. Review status: criteria provided, single submitter. Criteria: Ambry Variant Classification Scheme 2023. Collection method: clinical testing. Allele origin: germline.

NM_000051.4(ATM):c.6309A>G (p.Ala2103=)

Genes: ATM (ATM serine/threonine kinase; plus strand), C11orf65 (chromosome 11 open reading frame 65; minus strand). Cytogenetic location: 11q22.3.
Variant type: single nucleotide variant.
Coding change: c.6309A>G on transcript NM_000051.4 (MANE Select); coding-DNA position 6309, A replaced by G.
Protein change: p.Ala2103=; no amino-acid change (alanine 2103 retained).
Molecular consequence: synonymous variant. On other transcripts: intron variant (2).
Genome position (GRCh38, 1-based): chr11:108,317,483, A>G. VCF-style: chr11-108317483-A-G. GRCh37 (hg19) VCF-style: chr11-108188210-A-G.
Other names: c.6309A>G, p.Ala2103= (NM_001351834.2); c.641-8412T>C (NM_001330368.2); c.*39-8412T>C (NM_001351110.2).
Identifiers: ClinVar variation 1538181 (VCV001538181.11), dbSNP rs2084789463, ClinGen allele CA476676008.